The following is an entry in ClinVar:

NM_001382391.1(CSPP1):c.2732T>A (p.Met911Lys)

Gene: CSPP1 (centrosome and spindle pole associated protein 1; plus strand). Cytogenetic location: 8q13.2.
Variant type: single nucleotide variant.
Coding change: c.2732T>A on transcript NM_001382391.1 (MANE Select); coding-DNA position 2732, T replaced by A.
Protein change: p.Met911Lys; replaces methionine 911 with lysine.
Molecular consequence: missense variant.
Genome position (GRCh38, 1-based): chr8:67,164,412, T>A. VCF-style: chr8-67164412-T-A. GRCh37 (hg19) VCF-style: chr8-68076647-T-A.
Other names: c.1682T>A, p.Met561Lys (NM_001291339.2); c.2651T>A, p.Met884Lys (NM_001363131.2); c.2537T>A, p.Met846Lys (NM_001363132.2); c.2456T>A, p.Met819Lys (NM_001363133.2); c.2798T>A, p.Met933Lys (NM_001364869.1); c.2618T>A, p.Met873Lys (NM_001364870.1); c.2717T>A, p.Met906Lys (NM_024790.7); short protein forms M561K, M884K, M933K, M873K, M911K, M819K, M906K, M846K.
Identifiers: ClinVar variation 1416854 (VCV001416854.5), dbSNP rs746260241, ClinGen allele CA4770930.
Genomic context (GRCh38, chr8:67,164,412, plus strand): 5'-TTCCTGTCTTGTGTTTTACTTATCAATGGGAATTTGCAGAGGAGAAAAAAAATGTAATTA[T>A]GGAATTATCAGAAATGAGAAAACAGCTTCGTAGTGAAGAGAGGCGTCTACAAGAGCGATT-3'
Protein context (NP_001369320.1, residues 901-921): RAEEEKKNVI[Met911Lys]ELSEMRKQLR

ClinVar aggregate classification (germline): Uncertain significance (1 of 4 stars; one submission).

Conditions:
Joubert syndrome 21 (JBTS21). Identifiers: MedGen C3810212, MONDO:0014288, OMIM 615636.

Allele frequency attached by ClinVar (database versions not stated): gnomAD 0.00001; ExAC 0.00002; gnomAD exomes 0.00002; TOPMed 0.00002.
gnomAD v4.1: 8 of 1,585,132 alleles (0.0005%); highest among the groups gnomAD compares: African/African-American, 0.0054%; no homozygotes.

Submission:

Labcorp Genetics (formerly Invitae), Labcorp
Classification: Uncertain significance for Joubert syndrome 21. Last evaluated: 2023-10-13. Review status: criteria provided, single submitter. Criteria: Invitae Variant Classification Sherloc (09022015). Collection method: clinical testing. Allele origin: germline.
Comment: This sequence change replaces methionine, which is neutral and non-polar, with lysine, which is basic and polar, at codon 906 of the CSPP1 protein (p.Met906Lys). This variant is present in population databases (rs746260241, gnomAD 0.009%). This variant has not been reported in the literature in individuals affected with CSPP1-related conditions. ClinVar contains an entry for this variant (Variation ID: 1416854). An algorithm developed to predict the effect of missense changes on protein structure and function (PolyPhen-2) suggests that this variant is likely to be disruptive. In summary, the available evidence is currently insufficient to determine the role of this variant in disease. Therefore, it has been classified as a Variant of Uncertain Significance.